The following is an entry in ClinVar:

NM_000053.4(ATP7B):c.2067T>C (p.Ile689=)

Gene: ATP7B (ATPase copper transporting beta; minus strand). Cytogenetic location: 13q14.3.
Variant type: single nucleotide variant.
Coding change: c.2067T>C on transcript NM_000053.4 (MANE Select); coding-DNA position 2067, T replaced by C.
Protein change: p.Ile689=; no amino-acid change (isoleucine 689 retained).
Molecular consequence: synonymous variant. On other transcripts: intron variant (2).
Genome position (GRCh38, 1-based): chr13:51,960,202, A>G on the plus strand (T>C on the coding strand, the complement: ATP7B is on the minus strand). VCF-style: chr13-51960202-A-G. GRCh37 (hg19) VCF-style: chr13-52534338-A-G.
Other names: c.1734T>C, p.Ile578= (NM_001243182.2); c.2067T>C, p.Ile689= (NM_001330578.2); c.1870-2595T>C (NM_001005918.3); c.1870-1658T>C (NM_001330579.2).
Identifiers: ClinVar variation 510595 (VCV000510595.10), dbSNP rs1274947728, ClinGen allele CA483896332.

ClinVar aggregate classification (germline): Likely benign. Review status: criteria provided, multiple submitters, no conflicts (2 of 4 stars). 4 submissions from 4 submitters: Likely benign (4). Last evaluated 2026-01-12.

Conditions:
Wilson disease (WND). Also called: Wilson's disease. Identifiers: Orphanet 905, MedGen C0019202, MONDO:0010200, OMIM 277900. Disease mechanism: loss of function.

Allele frequency attached by ClinVar (database versions not stated): gnomAD 0.00001; gnomAD exomes 0.00001; TOPMed 0.00002.
gnomAD v4.1: 12 of 1,613,836 alleles (0.00074%); highest among the groups gnomAD compares: Non-Finnish European, 0.00093%; no homozygotes.

Submissions (4):

Labcorp Genetics (formerly Invitae), Labcorp
Classification: Likely benign for Wilson disease. Last evaluated: 2026-01-12. Review status: criteria provided, single submitter. Criteria: Invitae Variant Classification Sherloc (09022015). Collection method: clinical testing. Allele origin: germline.

All of Us Research Program, National Institutes of Health
Classification: Likely benign for Wilson disease. Last evaluated: 2024-05-30. Review status: criteria provided, single submitter. Criteria: ACMG Guidelines, 2015. Collection method: clinical testing. Allele origin: germline. Inheritance: Autosomal recessive inheritance. Observed: 4 variant alleles, 4 heterozygotes.
Comment: This study involves interpretation of variants in research participants for the purpose of population health screening. Participant phenotype was not available at the time of variant classification. Additional details can be found in publication PMID: 35346344, PMCID: PMC8962531

Color Diagnostics, LLC DBA Color Health
Classification: Likely benign for Wilson disease. Last evaluated: 2022-06-27. Review status: criteria provided, single submitter. Criteria: ACMG Guidelines, 2015. Collection method: clinical testing. Allele origin: germline.

GeneDx
Classification: Likely benign. Last evaluated: 2017-07-10. Review status: criteria provided, single submitter. Criteria: GeneDx Variant Classification (06012015). Collection method: clinical testing. Allele origin: germline. Affected: yes.
Comment: This variant is considered likely benign or benign based on one or more of the following criteria: it is a conservative change, it occurs at a poorly conserved position in the protein, it is predicted to be benign by multiple in silico algorithms, and/or has population frequency not consistent with disease.